The following is an entry in ClinVar:

ClinVar aggregate classification (germline): Uncertain significance (1 of 4 stars; one submission).

Conditions:
Evans syndrome, immunodeficiency, and premature immunosenescence associated with tripeptidyl-peptidase II deficiency. Identifiers: MedGen CN231723. Disease mechanism: loss of function.

Allele frequency attached by ClinVar (database versions not stated): gnomAD exomes below 0.00001.
gnomAD v4.1: 6 of 1,600,526 alleles (0.00037%); highest among the groups gnomAD compares: Non-Finnish European, 0.00043%; no homozygotes.

Submission:

Labcorp Genetics (formerly Invitae), Labcorp
Classification: Uncertain significance for Evans syndrome, immunodeficiency, and premature immunosenescence associated with tripeptidyl-peptidase II deficiency. Last evaluated: 2017-11-02. Review status: criteria provided, single submitter. Criteria: Invitae Variant Classification Sherloc (09022015). Collection method: clinical testing. Allele origin: germline.
Comment: In summary, the available evidence is currently insufficient to determine the role of this variant in disease. Therefore, it has been classified as a Variant of Uncertain Significance. This sequence change replaces threonine with alanine at codon 308 of the TPP2 protein (p.Thr308Ala). The threonine residue is highly conserved and there is a small physicochemical difference between threonine and alanine. This variant is not present in population databases (ExAC no frequency). This variant has not been reported in the literature in individuals with TPP2-related disease. Algorithms developed to predict the effect of missense changes on protein structure and function (SIFT, PolyPhen-2, Align-GVGD) all suggest that this variant is likely to be tolerated, but these predictions have not been confirmed by published functional studies and their clinical significance is uncertain.

NM_001330588.2(TPP2):c.922A>G (p.Thr308Ala)

Gene: TPP2 (tripeptidyl peptidase 2; plus strand). Cytogenetic location: 13q33.1.
Variant type: single nucleotide variant.
Coding change: c.922A>G on transcript NM_001330588.2 (MANE Select); coding-DNA position 922, A replaced by G.
Protein change: p.Thr308Ala; replaces threonine 308 with alanine.
Molecular consequence: missense variant. On other transcripts: non-coding transcript variant (1).
Genome position (GRCh38, 1-based): chr13:102,627,149, A>G. VCF-style: chr13-102627149-A-G. GRCh37 (hg19) VCF-style: chr13-103279499-A-G.
Other names: c.922A>G, p.Thr308Ala (NM_001367947.1, NM_003291.4, LRG_1341t1); short protein forms T308A.
Identifiers: ClinVar variation 478056 (VCV000478056.8), dbSNP rs1555299812, ClinGen allele CA388480375.